The following is an entry in ClinVar:

NM_052989.3(IFT122):c.127G>A (p.Gly43Ser)

Gene: IFT122 (intraflagellar transport 122; plus strand). Cytogenetic location: 3q21.3.
Variant type: single nucleotide variant.
Coding change: c.127G>A on transcript NM_052989.3 (MANE Select); coding-DNA position 127, G replaced by A.
Protein change: p.Gly43Ser; replaces glycine 43 with serine.
Molecular consequence: missense variant. On other transcripts: 5 prime UTR variant (2).
Genome position (GRCh38, 1-based): chr3:129,451,932, G>A. VCF-style: chr3-129451932-G-A. GRCh37 (hg19) VCF-style: chr3-129170775-G-A.
Other names: c.127G>A, p.Gly43Ser (NM_052990.3, NM_001410809.1, NM_001410810.1 and 8 more transcripts); c.-475G>A (NM_001280545.2); c.-245G>A (NM_001280546.2); short protein forms G43S.
Identifiers: ClinVar variation 2132808 (VCV002132808.4), dbSNP rs2074907966, ClinGen allele CA354469314.

ClinVar aggregate classification (germline): Uncertain significance (1 of 4 stars; one submission).

Conditions:
Cranioectodermal dysplasia 1 (CED1). Also called: LEVIN SYNDROME I. Identifiers: Orphanet 1515, MedGen C0432235, MONDO:0021093, OMIM 218330.

Allele frequency attached by ClinVar (database versions not stated): TOPMed 0.00001.

Submission:

Labcorp Genetics (formerly Invitae), Labcorp
Classification: Uncertain significance for Cranioectodermal dysplasia 1. Last evaluated: 2022-05-03. Review status: criteria provided, single submitter. Criteria: Invitae Variant Classification Sherloc (09022015). Collection method: clinical testing. Allele origin: germline.
Comment: In summary, the available evidence is currently insufficient to determine the role of this variant in disease. Therefore, it has been classified as a Variant of Uncertain Significance. Algorithms developed to predict the effect of sequence changes on RNA splicing suggest that this variant may disrupt the consensus splice site. Algorithms developed to predict the effect of missense changes on protein structure and function are either unavailable or do not agree on the potential impact of this missense change (SIFT: "Deleterious"; PolyPhen-2: "Possibly Damaging"; Align-GVGD: "Class C0"). This missense change has been observed in individual(s) with IFT22-related conditions (Invitae). This variant is not present in population databases (gnomAD no frequency). This sequence change replaces glycine, which is neutral and non-polar, with serine, which is neutral and polar, at codon 43 of the IFT122 protein (p.Gly43Ser).